The following is an entry in ClinVar:

NM_000069.3(CACNA1S):c.1466G>A (p.Arg489His)

Gene: CACNA1S (calcium voltage-gated channel subunit alpha1 S; minus strand). Cytogenetic location: 1q32.1.
Variant type: single nucleotide variant.
Coding change: c.1466G>A on transcript NM_000069.3 (MANE Select); coding-DNA position 1466, G replaced by A.
Protein change: p.Arg489His; replaces arginine 489 with histidine.
Molecular consequence: missense variant.
Genome position (GRCh38, 1-based): chr1:201,078,032, C>T on the plus strand (G>A on the coding strand, the complement: CACNA1S is on the minus strand). VCF-style: chr1-201078032-C-T. GRCh37 (hg19) VCF-style: chr1-201047160-C-T.
Other names: short protein forms R489H.
Identifiers: ClinVar variation 1001609 (VCV001001609.12), dbSNP rs553739117, ClinGen allele CA078255.
Genomic context (GRCh38, chr1:201,078,032, plus strand): 5'-AGGATACCGCTACACACCACGAAGCAGTCGAAGCGGTTGAAGATAGACATGAAGTACTGG[C>T]GCAGGCCCAGCCCGTACATCTTCATCAGCATCTCAGTGGTGAAGAGGGACAGCAGCACCC-3'
Protein context (NP_000060.2, residues 479-499): MLMKMYGLGL[Arg489His]QYFMSIFNRF

ClinVar aggregate classification (germline): Conflicting classifications of pathogenicity. Review status: criteria provided, conflicting classifications (1 of 4 stars). 4 submissions from 4 submitters: Uncertain significance (2); Likely benign (2). Last evaluated 2026-01-19.

Conditions:
Hypokalemic periodic paralysis, type 1. Also called: HypoPP; Hypokalemic Periodic Paralysis Type 1 (AD). Identifiers: Orphanet 681, MedGen C3714580, MONDO:0042979, OMIM 170400.
Congenital myopathy 18. Also called: Myopathy, congenital, due to dihydropyridine receptor defect; DIHYDROPYRIDINE RECEPTOR CONGENITAL MYOPATHY; DHPR CONGENITAL MYOPATHY. Identifiers: MedGen C5830283, MONDO:0859514, OMIM 620246.
Thyrotoxic periodic paralysis, susceptibility to, 1 (TTPP1). Identifiers: Orphanet 79102, MedGen C2749982, MONDO:0008570, OMIM 188580.
Malignant hyperthermia, susceptibility to, 5 (MHS5). Also called: CACNA1S-Related Malignant Hyperthermia Susceptibility. Identifiers: Orphanet 423, MedGen C1866077, MONDO:0011163, OMIM 601887.

Allele frequency attached by ClinVar (database versions not stated): gnomAD 0.00002 and 0.00003; gnomAD exomes 0.00004 and 0.00012; TOPMed 0.00005; ExAC 0.00011.
gnomAD v4.1: 62 of 1,613,996 alleles (0.0038%); highest among the groups gnomAD compares: Admixed American, 0.033%; no homozygotes.

Submissions (4):

Labcorp Genetics (formerly Invitae), Labcorp
Classification: Likely benign for Hypokalemic periodic paralysis, type 1; Malignant hyperthermia, susceptibility to, 5. Last evaluated: 2026-01-19. Review status: criteria provided, single submitter. Criteria: Invitae Variant Classification Sherloc (09022015). Collection method: clinical testing. Allele origin: germline.

Fulgent Genetics
Classification: Uncertain significance for Hypokalemic periodic paralysis, type 1; Thyrotoxic periodic paralysis, susceptibility to, 1; Malignant hyperthermia, susceptibility to, 5; Congenital myopathy 18. Last evaluated: 2024-04-18. Review status: criteria provided, single submitter. Criteria: ACMG Guidelines, 2015. Collection method: clinical testing. Allele origin: germline.

Color Diagnostics, LLC DBA Color Health
Classification: Likely benign for Malignant hyperthermia, susceptibility to, 5. Last evaluated: 2023-01-17. Review status: criteria provided, single submitter. Criteria: ACMG Guidelines, 2015. Collection method: clinical testing. Allele origin: germline.

GeneDx
Classification: Uncertain significance. Last evaluated: 2022-03-23. Review status: criteria provided, single submitter. Criteria: GeneDx Variant Classification Process June 2021. Collection method: clinical testing. Allele origin: germline. Affected: yes.
Comment: In silico analysis supports that this missense variant does not alter protein structure/function; Previously reported in individuals from a cohort of patients with skeletal muscle channelopathies; however, specific clinical and family history information was not provided (Stennenberg et al., 2018); This variant is associated with the following publications: (PMID: 31851124, 29606556)